The following is an entry in ClinVar:

ClinVar aggregate classification (germline): Likely benign (1 of 4 stars; one submission).

Conditions:
Wilson disease (WND). Also called: Wilson's disease. Identifiers: Orphanet 905, MedGen C0019202, MONDO:0010200, OMIM 277900. Disease mechanism: loss of function.

Allele frequency attached by ClinVar (database versions not stated): gnomAD exomes below 0.00001.
gnomAD v4.1: 1 of 1,606,806 alleles (0.000062%); highest among the groups gnomAD compares: Non-Finnish European, 0.000085%; no homozygotes.

Submission:

All of Us Research Program, National Institutes of Health
Classification: Likely benign for Wilson disease. Last evaluated: 2023-05-30. Review status: criteria provided, single submitter. Criteria: ACMG Guidelines, 2015. Collection method: clinical testing. Allele origin: germline. Inheritance: Autosomal recessive inheritance. Observed: 1 variant allele, 1 heterozygote.
Comment: This study involves interpretation of variants in research participants for the purpose of population health screening. Participant phenotype was not available at the time of variant classification. Additional details can be found in publication PMID: 35346344, PMCID: PMC8962531

NM_000053.4(ATP7B):c.4022-11T>C

Gene: ATP7B (ATPase copper transporting beta; minus strand). Cytogenetic location: 13q14.3.
Variant type: single nucleotide variant.
Coding change: c.4022-11T>C on transcript NM_000053.4 (MANE Select); 11 bases into the intron before coding-DNA position 4022, T replaced by C.
Molecular consequence: intron variant.
Genome position (GRCh38, 1-based): chr13:51,935,706, A>G on the plus strand (T>C on the coding strand, the complement: ATP7B is on the minus strand). VCF-style: chr13-51935706-A-G. GRCh37 (hg19) VCF-style: chr13-52509842-A-G.
Other names: c.3536-11T>C (NM_001406541.1, NM_001406542.1); c.3770-11T>C (NM_001406531.1, NM_001406532.1, NM_001330579.2); c.3788-11T>C (NM_001406527.1, NM_001406528.1, NM_001330578.2); c.3683-11T>C (NM_001406537.1); c.3878-11T>C (NM_001406521.1, NM_001406522.1, NM_001406520.1); c.4016-11T>C (NM_001406513.1); c.4022-11T>C (NM_001406511.1, NM_001406512.1); c.3530-11T>C (NM_001406543.1); and 21 more.
Identifiers: ClinVar variation 3071375 (VCV003071375.1), dbSNP rs1193744248, ClinGen allele CA698890014.